The following is an entry in ClinVar:

ClinVar aggregate classification (germline): Uncertain significance (1 of 4 stars; one submission).

gnomAD v4.1: 1 of 1,614,194 alleles (0.000062%); no homozygotes.

Submission:

Labcorp Genetics (formerly Invitae), Labcorp
Classification: Uncertain significance. Last evaluated: 2026-01-11. Review status: criteria provided, single submitter. Criteria: Invitae Variant Classification Sherloc (09022015). Collection method: clinical testing. Allele origin: germline.
Comment: This sequence change replaces alanine, which is neutral and non-polar, with threonine, which is neutral and polar, at codon 1832 of the ALPK3 protein (p.Ala1832Thr). This variant is not present in population databases (gnomAD no frequency). This variant has not been reported in the literature in individuals affected with ALPK3-related conditions. Invitae Evidence Modeling of protein sequence and biophysical properties (such as structural, functional, and spatial information, amino acid conservation, physicochemical variation, residue mobility, and thermodynamic stability) indicates that this missense variant is not expected to disrupt ALPK3 protein function with a negative predictive value of 80%. In summary, the available evidence is currently insufficient to determine the role of this variant in disease. Therefore, it has been classified as a Variant of Uncertain Significance.

NM_020778.5(ALPK3):c.4888G>A (p.Ala1630Thr)

Gene: ALPK3 (alpha kinase 3; plus strand). Cytogenetic location: 15q25.3.
Variant type: single nucleotide variant.
Coding change: c.4888G>A on transcript NM_020778.5 (MANE Select); coding-DNA position 4888, G replaced by A.
Protein change: p.Ala1630Thr; replaces alanine 1630 with threonine.
Molecular consequence: missense variant.
Genome position (GRCh38, 1-based): chr15:84,868,226, G>A. VCF-style: chr15-84868226-G-A. GRCh37 (hg19) VCF-style: chr15-85411457-G-A.
Other names: short protein forms A1630T.
Identifiers: ClinVar variation 4768221 (VCV004768221.1).